The following is an entry in ClinVar:

ClinVar aggregate classification (germline): Uncertain significance (1 of 4 stars; one submission).

Conditions:
Retinoblastoma (RB1). Also called: RETINOBLASTOMA, SOMATIC. Identifiers: Orphanet 790, MedGen C0035335, MeSH D012175, MONDO:0008380, OMIM 180200, HP:0009919. Disease mechanism: loss of function. Inheritance: Both sporadic and heritable forms are tested..

Submission:

Labcorp Genetics (formerly Invitae), Labcorp
Classification: Uncertain significance for Retinoblastoma. Last evaluated: 2024-07-26. Review status: criteria provided, single submitter. Criteria: Invitae Variant Classification Sherloc (09022015). Collection method: clinical testing. Allele origin: germline.
Comment: This variant occurs in a non-coding region of the RB1 gene. It does not change the encoded amino acid sequence of the RB1 protein. This variant is not present in population databases (gnomAD no frequency). This variant has not been reported in the literature in individuals affected with RB1-related conditions. Experimental studies and prediction algorithms are not available or were not evaluated, and the functional significance of this variant is currently unknown. In summary, the available evidence is currently insufficient to determine the role of this variant in disease. Therefore, it has been classified as a Variant of Uncertain Significance.

NC_000013.11:g.48303681G>C

Genes: RB1 (RB transcriptional corepressor 1; plus strand), RB1-DT (RB1 divergent transcript; minus strand). Cytogenetic location: 13q14.2.
Variant type: single nucleotide variant.
Molecular consequence: non-coding transcript variant (on NR_046414.2).
Genome position: GRCh38 VCF-style: chr13-48303681-G-C. GRCh37 (hg19) VCF-style: chr13-48877817-G-C.
Identifiers: ClinVar variation 3630161 (VCV003630161.2).